The following is an entry in ClinVar:

ClinVar aggregate classification (germline): Uncertain significance (1 of 4 stars; one submission).

Conditions:
Inborn genetic diseases. Identifiers: MedGen C0950123, MeSH D030342.

Submission:

Ambry Genetics
Classification: Uncertain significance for Inborn genetic diseases. Last evaluated: 2024-08-19. Review status: criteria provided, single submitter. Criteria: Ambry Variant Classification Scheme 2023. Collection method: clinical testing. Allele origin: germline.
Comment: The p.D610G variant (also known as c.1829A>G), located in coding exon 12 of the EPAS1 gene, results from an A to G substitution at nucleotide position 1829. The aspartic acid at codon 610 is replaced by glycine, an amino acid with similar properties. This amino acid position is conserved. In addition, this alteration is predicted to be tolerated by in silico analysis. Based on the available evidence, the clinical significance of this variant remains unclear.

NM_001430.5(EPAS1):c.1829A>G (p.Asp610Gly)

Gene: EPAS1 (endothelial PAS domain protein 1; plus strand). Cytogenetic location: 2p21.
Variant type: single nucleotide variant.
Coding change: c.1829A>G on transcript NM_001430.5 (MANE Select); coding-DNA position 1829, A replaced by G.
Protein change: p.Asp610Gly; replaces aspartic acid 610 with glycine.
Molecular consequence: missense variant.
Genome position (GRCh38, 1-based): chr2:46,380,501, A>G. VCF-style: chr2-46380501-A-G. GRCh37 (hg19) VCF-style: chr2-46607640-A-G.
Other names: short protein forms D610G.
Identifiers: ClinVar variation 3508974 (VCV003508974.1).
Genomic context (GRCh38, chr2:46,380,501, plus strand): 5'-AGCAGCTGGAGAGCAAGAAGACAGAGCCCGAGCACCGGCCCATGTCCTCCATCTTCTTTG[A>G]TGCCGGAAGCAAAGCATCCCTGCCACCGTGCTGTGGCCAGGCCAGCACCCCTCTCTCTTC-3'
Protein context (NP_001421.2, residues 600-620): EHRPMSSIFF[Asp610Gly]AGSKASLPPC